The following is an entry in ClinVar:

ClinVar aggregate classification (germline): Uncertain significance (1 of 4 stars; one submission).

Submission:

Labcorp Genetics (formerly Invitae), Labcorp
Classification: Uncertain significance. Last evaluated: 2024-12-17. Review status: criteria provided, single submitter. Criteria: Invitae Variant Classification Sherloc (09022015). Collection method: clinical testing. Allele origin: germline.
Comment: This sequence change replaces tyrosine, which is neutral and polar, with cysteine, which is neutral and slightly polar, at codon 4923 of the RNF213 protein (p.Tyr4923Cys). This variant is not present in population databases (gnomAD no frequency). This variant has not been reported in the literature in individuals affected with RNF213-related conditions. Invitae Evidence Modeling of protein sequence and biophysical properties (such as structural, functional, and spatial information, amino acid conservation, physicochemical variation, residue mobility, and thermodynamic stability) indicates that this missense variant is not expected to disrupt RNF213 protein function with a negative predictive value of 95%. In summary, the available evidence is currently insufficient to determine the role of this variant in disease. Therefore, it has been classified as a Variant of Uncertain Significance.

NM_001256071.3(RNF213):c.14768A>G (p.Tyr4923Cys)

Genes: RNF213 (ring finger protein 213; plus strand), RNF213-AS1 (RNF213 antisense RNA 1; minus strand). Cytogenetic location: 17q25.3.
Variant type: single nucleotide variant.
Coding change: c.14768A>G on transcript NM_001256071.3 (MANE Select); coding-DNA position 14768, A replaced by G.
Protein change: p.Tyr4923Cys; replaces tyrosine 4923 with cysteine.
Molecular consequence: missense variant.
Genome position (GRCh38, 1-based): chr17:80,386,737, A>G. VCF-style: chr17-80386737-A-G. GRCh37 (hg19) VCF-style: chr17-78360537-A-G.
Other names: c.14915A>G, p.Tyr4972Cys (NM_001410195.1, NM_020914.5); short protein forms Y4972C, Y4923C.
Identifiers: ClinVar variation 3720569 (VCV003720569.2).
Genomic context (GRCh38, chr17:80,386,737, plus strand): 5'-TTCTGCCCCTCAGCTATTCCGTGGATGCCGCCGAGGTCACTGAACTGCATGTCATCAGTT[A>G]TGAAGTGGAGCGGGACCTGACTCCACTGATTCTCTCCAACTGCCAGTACCAGGTGGAGGA-3'
Protein context (NP_001243000.2, residues 4913-4933): AEVTELHVIS[Tyr4923Cys]EVERDLTPLI